The following is an entry in ClinVar:

ClinVar aggregate classification (germline): Likely benign (1 of 4 stars; one submission).

gnomAD v4.1: 10 of 1,609,898 alleles (0.00062%); highest among the groups gnomAD compares: East Asian, 0.0067%; no homozygotes.

Submission:

CeGaT Center for Human Genetics Tuebingen
Classification: Likely benign. Last evaluated: 2025-11-01. Review status: criteria provided, single submitter. Criteria: CeGaT Center For Human Genetics Tuebingen Variant Classification Criteria Version 2. Collection method: clinical testing. Allele origin: germline. Affected: yes. Observed: 1 variant allele.
Comment: PLXNB2: BP4, BP7

NM_012401.4(PLXNB2):c.4404C>T (p.Ile1468=)

Gene: PLXNB2 (plexin B2; minus strand). Cytogenetic location: 22q13.33.
Variant type: single nucleotide variant.
Coding change: c.4404C>T on transcript NM_012401.4 (MANE Select); coding-DNA position 4404, C replaced by T.
Protein change: p.Ile1468=; no amino-acid change (isoleucine 1468 retained).
Molecular consequence: synonymous variant. On other transcripts: intron variant (2).
Genome position (GRCh38, 1-based): chr22:50,278,997, G>A on the plus strand (C>T on the coding strand, the complement: PLXNB2 is on the minus strand). VCF-style: chr22-50278997-G-A. GRCh37 (hg19) VCF-style: chr22-50717426-G-A.
Other names: c.4641C>T, p.Ile1547= (NM_001376864.1); c.4473C>T, p.Ile1491= (NM_001376865.1); c.4404C>T, p.Ile1468= (NM_001376866.1, NM_001376867.1, NM_001376868.1 and 14 more transcripts); c.4380C>T, p.Ile1460= (NM_001376883.1); c.4311C>T, p.Ile1437= (NM_001376886.1); c.4390-64C>T (NM_001376885.1, NM_001376884.1).
Identifiers: ClinVar variation 4534536 (VCV004534536.6).